The following is an entry in ClinVar:

NM_001347886.2(DNAH3):c.10499del (p.Gly3500fs)

Gene: DNAH3 (dynein axonemal heavy chain 3; minus strand). Cytogenetic location: 16p12.3.
Variant type: Deletion.
Coding change: c.10499del on transcript NM_001347886.2 (MANE Select); coding-DNA position 10499, one base deleted (G; older notation c.10499delG).
Protein change: p.Gly3500fs; shifts the reading frame from glycine 3500.
Molecular consequence: frameshift variant.
Genome position (GRCh38, 1-based): chr16:20,959,368, C deleted on the plus strand (G on the coding strand, the reverse complement: DNAH3 is on the minus strand); the first of 2 consecutive C bases (chr16:20,959,368-20,959,369); deleting either gives the same sequence. VCF-style (leftmost placement, unchanged base first): chr16-20959367-AC-A. GRCh37 (hg19) VCF-style: chr16-20970689-AC-A.
Other names: c.10637del, p.Gly3546fs (NM_017539.2); short protein forms G3500fs, G3546fs.
Identifiers: ClinVar variation 3775005 (VCV003775005.1).

ClinVar aggregate classification (germline): Uncertain significance (1 of 4 stars; one submission).

Submission:

GeneDx
Classification: Uncertain significance. Last evaluated: 2024-01-25. Review status: criteria provided, single submitter. Criteria: GeneDx Variant Classification Process June 2021. Collection method: clinical testing. Allele origin: germline. Affected: yes.
Comment: Not observed at significant frequency in large population cohorts (gnomAD); Frameshift variant predicted to result in protein truncation or nonsense mediated decay in a gene for which loss-of-function is not an established mechanism of disease; Has not been previously published as pathogenic or benign to our knowledge; Variants in candidate genes are classified as variants of uncertain significance in accordance with ACMG guidelines (PMID: 25741868)